The following is an entry in ClinVar:

NM_033380.3(COL4A5):c.937-10T>A

Gene: COL4A5 (collagen type IV alpha 5 chain; plus strand). Cytogenetic location: Xq22.3.
Variant type: single nucleotide variant.
Coding change: c.937-10T>A on transcript NM_033380.3 (MANE Select); 10 bases into the intron before coding-DNA position 937, T replaced by A.
Molecular consequence: intron variant.
Genome position (GRCh38, 1-based): chrX:108,582,874, T>A. VCF-style: chrX-108582874-T-A. GRCh37 (hg19) VCF-style: chrX-107826104-T-A.
Other names: c.937-10T>A (NM_000495.5).
Identifiers: ClinVar variation 2840612 (VCV002840612.4), dbSNP rs2524254434, ClinGen allele CA2579676030.
Genomic context (GRCh38, chrX:108,582,874, plus strand): 5'-AAGACAATCTTTGGAGATTTCCTAACACCATCATTTGTGCTGATGTCACCCTATCCTCTA[T>A]GTTTTAAAGGGTTTGCCTGGTGATCCTGGTTACCCTGGTGAACCCGGAAGGGATGGTGAA-3'

ClinVar aggregate classification (germline): Uncertain significance (1 of 4 stars; one submission).

Submissions (2):

Labcorp Genetics (formerly Invitae), Labcorp
Classification: Uncertain significance. Last evaluated: 2024-06-12. Review status: criteria provided, single submitter. Criteria: Invitae Variant Classification Sherloc (09022015). Collection method: clinical testing. Allele origin: germline.
Comment: This sequence change falls in intron 16 of the COL4A5 gene. It does not directly change the encoded amino acid sequence of the COL4A5 protein. This variant is not present in population databases (gnomAD no frequency). This variant has been observed in individual(s) with Alport syndrome (Invitae). Algorithms developed to predict the effect of sequence changes on RNA splicing suggest that this variant may disrupt the consensus splice site. In summary, the available evidence is currently insufficient to determine the role of this variant in disease. Therefore, it has been classified as a Variant of Uncertain Significance.

Dr. Peter K. Rogan Lab, Western University
No classification provided (evidence only). Condition: Thyroid cancer, nonmedullary, 1. Review status: no classification provided. Collection method: in vitro. Allele origin: not applicable. Functional consequence: retained intron. Not counted in ClinVar's aggregate classification.